The following is an entry in ClinVar:

NM_152419.3(HGSNAT):c.1042G>A (p.Val348Met)

Gene: HGSNAT (heparan-alpha-glucosaminide N-acetyltransferase; plus strand). Cytogenetic location: 8p11.21.
Variant type: single nucleotide variant.
Coding change: c.1042G>A on transcript NM_152419.3 (MANE Select); coding-DNA position 1042, G replaced by A.
Protein change: p.Val348Met; replaces valine 348 with methionine.
Molecular consequence: missense variant.
Genome position (GRCh38, 1-based): chr8:43,182,174, G>A. VCF-style: chr8-43182174-G-A. GRCh37 (hg19) VCF-style: chr8-43037317-G-A.
Other names: c.1042G>A, p.Val348Met (NM_001363227.2); c.850G>A, p.Val284Met (NM_001363228.2); c.178G>A, p.Val60Met (NM_001363229.2); short protein forms V348M, V60M, V284M.
Identifiers: ClinVar variation 522867 (VCV000522867.10), dbSNP rs1318217031, ClinGen allele CA371118355.

ClinVar aggregate classification (germline): Uncertain significance. Review status: criteria provided, multiple submitters, no conflicts (2 of 4 stars). 4 submissions from 4 submitters: Uncertain significance (4). Last evaluated 2026-03-31.

Conditions:
Mucopolysaccharidosis, MPS-III-C (MPS3C). Also called: SANFILIPPO SYNDROME C; MPS III C; MUCOPOLYSACCHARIDOSIS, TYPE IIIC; Mucopolysaccharidosis type IIIC (Sanfilippo C); MPS IIIC (Sanfilippo Syndrome Type C); mucopolysaccharidosis type 3C. Identifiers: Orphanet 581, Orphanet 79271, MedGen C0086649, MONDO:0009657, OMIM 252930.
Retinitis pigmentosa 73 (RP73). Identifiers: Orphanet 791, MedGen C4225287, MONDO:0014687, OMIM 616544.

Allele frequency attached by ClinVar (database versions not stated): TOPMed 0.00002.

Submissions (4):

Myriad Genetics, Inc.
Classification: Uncertain significance for Mucopolysaccharidosis, MPS-III-C. Last evaluated: 2026-03-31. Review status: criteria provided, single submitter. Criteria: Myriad Autosomal Dominant, Autosomal Recessive and X-Linked Classification Criteria (2023). Collection method: clinical testing. Allele origin: unknown.
Comment: NM_152419.2(HGSNAT):c.1042G>A(V348M) is a missense variant classified as a variant of uncertain significance in the context of mucopolysaccharidosis type IIIC. V348M has been observed in a case with relevant disease (PMID: 35848209). Relevant functional assessments of this variant are not available in the literature. V348M has not been observed in referenced population frequency databases. In summary, there is insufficient evidence to classify NM_152419.2(HGSNAT):c.1042G>A(V348M) as pathogenic or benign. Please note: this variant was assessed in the context of healthy population screening.

Labcorp Genetics (formerly Invitae), Labcorp
Classification: Uncertain significance for Retinitis pigmentosa 73; Mucopolysaccharidosis, MPS-III-C. Last evaluated: 2025-05-05. Review status: criteria provided, single submitter. Criteria: Invitae Variant Classification Sherloc (09022015). Collection method: clinical testing. Allele origin: germline.
Comment: This sequence change replaces valine, which is neutral and non-polar, with methionine, which is neutral and non-polar, at codon 348 of the HGSNAT protein (p.Val348Met). This variant is not present in population databases (gnomAD no frequency). This variant has not been reported in the literature in individuals affected with HGSNAT-related conditions. ClinVar contains an entry for this variant (Variation ID: 522867). Invitae Evidence Modeling of protein sequence and biophysical properties (such as structural, functional, and spatial information, amino acid conservation, physicochemical variation, residue mobility, and thermodynamic stability) indicates that this missense variant is expected to disrupt HGSNAT protein function with a positive predictive value of 80%. In summary, the available evidence is currently insufficient to determine the role of this variant in disease. Therefore, it has been classified as a Variant of Uncertain Significance.

Women's Health and Genetics/Laboratory Corporation of America, LabCorp
Classification: Uncertain significance. Last evaluated: 2025-01-28. Review status: criteria provided, single submitter. Criteria: LabCorp Variant Classification Summary - May 2015. Collection method: clinical testing. Allele origin: germline.
Comment: Variant summary: HGSNAT c.1042G>A (p.Val348Met) results in a conservative amino acid change located in the Heparan-alpha-glucosaminide N-acetyltransferase, catalytic domain of the encoded protein sequence. Three of four in-silico tools predict a damaging effect of the variant on protein function. The variant was absent in 249282 control chromosomes. The available data on variant occurrences in the general population are insufficient to allow any conclusion about variant significance. c.1042G>A has been reported in the literature in at-least one individual affected with Mucopolysaccharidosis, MPS-III-C (example: Xiao_2022). These data do not allow any conclusion about variant significance. To our knowledge, no experimental evidence demonstrating an impact on protein function has been reported. The following publication has been ascertained in the context of this evaluation (PMID: 35848209). ClinVar contains an entry for this variant (Variation ID: 522867). Based on the evidence outlined above, the variant was classified as uncertain significance.

Undiagnosed Diseases Network, NIH
Classification: Uncertain significance for Mucopolysaccharidosis, MPS-III-C. Last evaluated: 2017-08-09. Review status: criteria provided, single submitter. Criteria: ACMG Guidelines, 2015. Collection method: clinical testing. Allele origin: paternal. Inheritance: Autosomal recessive inheritance. Affected: yes. Observed: 1 variant allele, 1 compound heterozygote. Study: Undiagnosed Diseases Network (NIH), UDN.
Comment: Our data indicate that the two changes in HGSNAT are in trans (compound heterozygous) configuration.

Literature cited by the submitters: PubMed 35848209 (cited by Myriad Genetics, Inc. and Women's Health and Genetics/Laboratory Corporation of America, LabCorp).